The following is an entry in ClinVar:

ClinVar aggregate classification (germline): Uncertain significance (1 of 4 stars; one submission).

gnomAD v4.1: 6 of 1,611,912 alleles (0.00037%); highest among the groups gnomAD compares: Non-Finnish European, 0.00051%; no homozygotes.

Submission:

Labcorp Genetics (formerly Invitae), Labcorp
Classification: Uncertain significance. Last evaluated: 2025-03-17. Review status: criteria provided, single submitter. Criteria: Invitae Variant Classification Sherloc (09022015). Collection method: clinical testing. Allele origin: germline.
Comment: This sequence change replaces arginine, which is basic and polar, with serine, which is neutral and polar, at codon 2828 of the SRCAP protein (p.Arg2828Ser). The frequency data for this variant in the population databases is considered unreliable, as metrics indicate poor data quality at this position in the gnomAD database. This variant has not been reported in the literature in individuals affected with SRCAP-related conditions. Invitae Evidence Modeling of protein sequence and biophysical properties (such as structural, functional, and spatial information, amino acid conservation, physicochemical variation, residue mobility, and thermodynamic stability) indicates that this missense variant is not expected to disrupt SRCAP protein function with a negative predictive value of 80%. In summary, the available evidence is currently insufficient to determine the role of this variant in disease. Therefore, it has been classified as a Variant of Uncertain Significance.

NM_006662.3(SRCAP):c.8482C>A (p.Arg2828Ser)

Gene: SRCAP (Snf2 related CREBBP activator protein; plus strand). Cytogenetic location: 16p11.2.
Variant type: single nucleotide variant.
Coding change: c.8482C>A on transcript NM_006662.3 (MANE Select); coding-DNA position 8482, C replaced by A.
Protein change: p.Arg2828Ser; replaces arginine 2828 with serine.
Molecular consequence: missense variant.
Genome position (GRCh38, 1-based): chr16:30,738,522, C>A. VCF-style: chr16-30738522-C-A. GRCh37 (hg19) VCF-style: chr16-30749843-C-A.
Other names: short protein forms R2828S.
Identifiers: ClinVar variation 3611716 (VCV003611716.2).